The following is an entry in ClinVar:

NM_000038.6(APC):c.3554C>T (p.Thr1185Ile)

Gene: APC (APC regulator of Wnt signaling pathway; plus strand). Cytogenetic location: 5q22.2.
Variant type: single nucleotide variant.
Coding change: c.3554C>T on transcript NM_000038.6 (MANE Select); coding-DNA position 3554, C replaced by T.
Protein change: p.Thr1185Ile; replaces threonine 1185 with isoleucine.
Molecular consequence: missense variant.
Genome position (GRCh38, 1-based): chr5:112,839,148, C>T. VCF-style: chr5-112839148-C-T. GRCh37 (hg19) VCF-style: chr5-112174845-C-T.
Other names: c.3554C>T, p.Thr1185Ile (NM_001127510.3, NM_001354895.2); c.3500C>T, p.Thr1167Ile (NM_001127511.3); c.3608C>T, p.Thr1203Ile (NM_001354896.2); c.3584C>T, p.Thr1195Ile (NM_001354897.2); c.3479C>T, p.Thr1160Ile (NM_001354898.2); c.3470C>T, p.Thr1157Ile (NM_001354899.2); c.3431C>T, p.Thr1144Ile (NM_001354900.2); c.3377C>T, p.Thr1126Ile (NM_001354901.2); and 5 more; short protein forms T1185I, T1167I, T1144I, T1160I, T1084I, T1126I, T1157I, T1195I.
Identifiers: ClinVar variation 135697 (VCV000135697.20), dbSNP rs587780595, ClinGen allele CA008497.
Genomic context (GRCh38, chr5:112,839,148, plus strand): 5'-AATATAATGAAGAGAAACGTCATGTGGATCAGCCTATTGATTATAGTTTAAAATATGCCA[C>T]AGATATTCCTTCATCACAGAAACAGTCATTTTCATTCTCAAAGAGTTCATCTGGACAAAG-3'
Protein context (NP_000029.2, residues 1175-1195): QPIDYSLKYA[Thr1185Ile]DIPSSQKQSF

ClinVar aggregate classification (germline): Uncertain significance. Review status: criteria provided, multiple submitters, no conflicts (2 of 4 stars). 4 submissions from 4 submitters: Uncertain significance (4). Last evaluated 2026-01-31.

Conditions:
Familial adenomatous polyposis 1 (FAP1). Also called: FAMILIAL ADENOMATOUS POLYPOSIS 1, ATTENUATED; POLYPOSIS, ADENOMATOUS INTESTINAL. Identifiers: MedGen C2713442, MONDO:0021056, OMIM 175100. Disease mechanism: loss of function.
Classic or attenuated familial adenomatous polyposis. Identifiers: MedGen CN372698, MONDO:0021057.
Hereditary cancer-predisposing syndrome. Also called: Tumor predisposition; Hereditary neoplastic syndrome; Neoplastic Syndromes, Hereditary; Hereditary Cancer Syndrome. Identifiers: Orphanet 140162, MedGen C0027672, MeSH D009386, MONDO:0015356.

Allele frequency attached by ClinVar (database versions not stated): gnomAD exomes below 0.00001; TOPMed below 0.00001; ExAC 0.00001.
gnomAD v4.1: 4 of 1,614,090 alleles (0.00025%); highest among the groups gnomAD compares: South Asian, 0.0033%; no homozygotes.

Submissions (4):

Labcorp Genetics (formerly Invitae), Labcorp
Classification: Uncertain significance for Familial adenomatous polyposis 1. Last evaluated: 2026-01-31. Review status: criteria provided, single submitter. Criteria: Invitae Variant Classification Sherloc (09022015). Collection method: clinical testing. Allele origin: germline.
Comment: This sequence change replaces threonine, which is neutral and polar, with isoleucine, which is neutral and non-polar, at codon 1185 of the APC protein (p.Thr1185Ile). This variant is present in population databases (rs587780595, gnomAD 0.003%). This variant has not been reported in the literature in individuals affected with APC-related conditions. ClinVar contains an entry for this variant (Variation ID: 135697). Invitae Evidence Modeling of protein sequence and biophysical properties (such as structural, functional, and spatial information, amino acid conservation, physicochemical variation, residue mobility, and thermodynamic stability) indicates that this missense variant is not expected to disrupt APC protein function with a negative predictive value of 95%. In summary, the available evidence is currently insufficient to determine the role of this variant in disease. Therefore, it has been classified as a Variant of Uncertain Significance.

Ambry Genetics
Classification: Uncertain significance for Hereditary cancer-predisposing syndrome. Last evaluated: 2025-03-04. Review status: criteria provided, single submitter. Criteria: Ambry Variant Classification Scheme 2023. Collection method: clinical testing. Allele origin: germline.
Comment: The p.T1185I variant (also known as c.3554C>T), located in coding exon 15 of the APC gene, results from a C to T substitution at nucleotide position 3554. The threonine at codon 1185 is replaced by isoleucine, an amino acid with similar properties. This amino acid position is well conserved in available vertebrate species. In addition, in silico predictors for this gene do not accurately predict pathogenicity. Missense alterations in APC are not a common cause of disease (Spier I et al. Genet Med. 2024 Feb;26(2):100992). Based on the available evidence, the clinical significance of this variant remains unclear.

All of Us Research Program, National Institutes of Health
Classification: Uncertain significance for Classic or attenuated familial adenomatous polyposis. Last evaluated: 2024-01-03. Review status: criteria provided, single submitter. Criteria: ACMG Guidelines, 2015. Collection method: clinical testing. Allele origin: germline. Inheritance: Autosomal dominant inheritance. Observed: 2 variant alleles, 2 heterozygotes.
Comment: This missense variant replaces threonine with isoleucine at codon 1185 of the APC protein. Computational prediction is inconclusive regarding the impact of this variant on protein structure and function (internally defined REVEL score threshold 0.5 < inconclusive < 0.7, PMID: 27666373). To our knowledge, functional studies have not been reported for this variant. This variant has not been reported in individuals affected with hereditary cancer in the literature. This variant has been identified in 1/249860 chromosomes in the general population by the Genome Aggregation Database (gnomAD). The available evidence is insufficient to determine the role of this variant in disease conclusively. Therefore, this variant is classified as a Variant of Uncertain Significance.

This study involves interpretation of variants in research participants for the purpose of population health screening. Participant phenotype was not available at the time of variant classification. Additional details can be found in publication PMID: 35346344, PMCID: PMC8962531

Color Diagnostics, LLC DBA Color Health
Classification: Uncertain significance for Hereditary cancer-predisposing syndrome. Last evaluated: 2023-11-02. Review status: criteria provided, single submitter. Criteria: ACMG Guidelines, 2015. Collection method: clinical testing. Allele origin: germline.
Comment: This missense variant replaces threonine with isoleucine at codon 1185 of the APC protein. Computational prediction suggests that this variant may not impact protein structure and function (internally defined REVEL score threshold <= 0.5, PMID: 27666373). To our knowledge, functional studies have not been reported for this variant. This variant has not been reported in individuals affected with APC-related disorders in the literature. This variant has been identified in 1/249860 chromosomes in the general population by the Genome Aggregation Database (gnomAD). The available evidence is insufficient to determine the role of this variant in disease conclusively. Therefore, this variant is classified as a Variant of Uncertain Significance.